The following is an entry in ClinVar:

NM_013432.5(TONSL):c.2774T>G (p.Leu925Trp)

Genes: TONSL (tonsoku like, DNA repair protein; minus strand), TONSL-AS1 (TONSL antisense RNA 1; plus strand). Cytogenetic location: 8q24.3.
Variant type: single nucleotide variant.
Coding change: c.2774T>G on transcript NM_013432.5 (MANE Select); coding-DNA position 2774, T replaced by G.
Protein change: p.Leu925Trp; replaces leucine 925 with tryptophan.
Molecular consequence: missense variant.
Genome position (GRCh38, 1-based): chr8:144,435,659, A>C on the plus strand (T>G on the coding strand, the complement: TONSL is on the minus strand). VCF-style: chr8-144435659-A-C. GRCh37 (hg19) VCF-style: chr8-145661042-A-C.
Other names: short protein forms L925W.
Identifiers: ClinVar variation 1054167 (VCV001054167.2), dbSNP rs200290630, ClinGen allele CA4942736.

ClinVar aggregate classification (germline): Uncertain significance (1 of 4 stars; one submission).

Allele frequency attached by ClinVar (database versions not stated): gnomAD 0.00001 and 0.00002; gnomAD exomes 0.00007 and 0.00016; TOPMed 0.00007; 1000 Genomes Project 30x 0.00016; ExAC 0.00017; 1000 Genomes Project 0.00020.
gnomAD v4.1: 48 of 1,598,912 alleles (0.003%); highest among the groups gnomAD compares: Admixed American, 0.077%; no homozygotes.

Submission:

Labcorp Genetics (formerly Invitae), Labcorp
Classification: Uncertain significance. Last evaluated: 2022-08-18. Review status: criteria provided, single submitter. Criteria: Invitae Variant Classification Sherloc (09022015). Collection method: clinical testing. Allele origin: germline.
Comment: This sequence change replaces leucine, which is neutral and non-polar, with tryptophan, which is neutral and slightly polar, at codon 925 of the TONSL protein (p.Leu925Trp). This variant is present in population databases (rs200290630, gnomAD 0.1%). This variant has not been reported in the literature in individuals affected with TONSL-related conditions. ClinVar contains an entry for this variant (Variation ID: 1054167). Algorithms developed to predict the effect of missense changes on protein structure and function are either unavailable or do not agree on the potential impact of this missense change (SIFT: "Deleterious"; PolyPhen-2: "Possibly Damaging"; Align-GVGD: "Class C0"). Algorithms developed to predict the effect of sequence changes on RNA splicing suggest that this variant may disrupt the consensus splice site. In summary, the available evidence is currently insufficient to determine the role of this variant in disease. Therefore, it has been classified as a Variant of Uncertain Significance.